The following is an entry in ClinVar:

NM_000540.3(RYR1):c.15117AC[2] (p.Ter5039=)

Gene: RYR1 (ryanodine receptor 1; plus strand). Cytogenetic location: 19q13.2.
Variant type: Microsatellite.
Coding change: c.15117AC[2] on transcript NM_000540.3 (MANE Select); two copies in a row of the 2-base unit AC starting at c.15117; the reference has three copies in a row; one copy, 2 bases deleted.
Protein change: p.Ter5039=.
Molecular consequence: no sequence alteration.
Genome position (GRCh38, 1-based): chr19:38,587,424-38,587,425, AC deleted; deleting any 2 consecutive bases within chr19:38,587,420-38,587,425 gives the same sequence; the position shown is the placement nearest the transcript's 3' end. VCF-style (leftmost placement, unchanged base first): chr19-38587419-GAC-G. GRCh37 (hg19) VCF-style: chr19-39078059-GAC-G.
Other names: c.15102AC[2], p.Ter5034= (NM_001042723.2); c.*4_*5del (NM_000540.3).
Identifiers: ClinVar variation 1432297 (VCV001432297.4), dbSNP rs773663760, ClinGen allele CA9415959.

ClinVar aggregate classification (germline): Uncertain significance. Review status: criteria provided, multiple submitters, no conflicts (2 of 4 stars). 2 submissions from 2 submitters: Uncertain significance (2). Last evaluated 2024-05-13.

Conditions:
RYR1-related disorder. Also called: RYR1-related condition; RYR1-related disorders. Identifiers: MedGen CN239331.
Malignant hyperthermia, susceptibility to, 1 (MHS1). Also called: RYR1-Related Malignant Hyperthermia Susceptibility; Malignant hyperthermia suceptibility 1; Anesthesia related hyperthermia; Malignant hyperpyrexia; Fulminating hyperpyrexia; Pharmacogenic myopathy. Identifiers: Orphanet 423, MedGen C2930980, MONDO:0007783, OMIM 145600.

Submissions (2):

Color Diagnostics, LLC DBA Color Health
Classification: Uncertain significance for Malignant hyperthermia, susceptibility to, 1. Last evaluated: 2024-05-13. Review status: criteria provided, single submitter. Criteria: ACMG Guidelines, 2015. Collection method: clinical testing. Allele origin: germline.
Comment: This variant is located in the 3' untranslated region of the RYR1 gene. To our knowledge, functional studies have not been reported for this variant. This variant has not been reported in individuals affected with malignant hyperthermia in the literature. This variant has been identified in 10/251370 chromosomes in the general population by the Genome Aggregation Database (gnomAD). The available evidence is insufficient to determine the role of this variant in disease conclusively. Therefore, this variant is classified as a Variant of Uncertain Significance.

Labcorp Genetics (formerly Invitae), Labcorp
Classification: Uncertain significance for RYR1-related disorder. Last evaluated: 2022-03-09. Review status: criteria provided, single submitter. Criteria: Invitae Variant Classification Sherloc (09022015). Collection method: clinical testing. Allele origin: germline.
Comment: This variant occurs in a non-coding region of the RYR1 gene. It does not change the encoded amino acid sequence of the RYR1 protein. This variant is present in population databases (rs773663760, gnomAD 0.008%). This variant has not been reported in the literature in individuals affected with RYR1-related conditions. Experimental studies and prediction algorithms are not available or were not evaluated, and the functional significance of this variant is currently unknown. In summary, the available evidence is currently insufficient to determine the role of this variant in disease. Therefore, it has been classified as a Variant of Uncertain Significance.